The following is an entry in ClinVar:

NM_000088.4(COL1A1):c.3823T>C (p.Trp1275Arg)

Gene: COL1A1 (collagen type I alpha 1 chain; minus strand). Cytogenetic location: 17q21.33.
Variant type: single nucleotide variant.
Coding change: c.3823T>C on transcript NM_000088.4 (MANE Select); coding-DNA position 3823, T replaced by C.
Protein change: p.Trp1275Arg; replaces tryptophan 1275 with arginine.
Molecular consequence: missense variant.
Genome position (GRCh38, 1-based): chr17:50,186,499, A>G on the plus strand (T>C on the coding strand, the complement: COL1A1 is on the minus strand). VCF-style: chr17-50186499-A-G. GRCh37 (hg19) VCF-style: chr17-48263860-A-G.
Other names: short protein forms W1275R.
Identifiers: ClinVar variation 447145 (VCV000447145.6), dbSNP rs1555571769, ClinGen allele CA400193996.
Genomic context (GRCh38, chr17:50,186,499, plus strand): 5'-TCTCCATGTTGCAGAAGACTTTGATGGCATCCAGGTTGCAGCCTTGGTTGGGGTCAATCC[A>G]GTACTCTCCTGTGGTAGGGCAGGGCAAGATGGAGTCAGGGAAAGGGAGCAGCCAGCACCA-3'
Protein context (NP_000079.2, residues 1265-1285): CHSDWKSGEY[Trp1275Arg]IDPNQGCNLD

ClinVar aggregate classification (germline): Conflicting classifications of pathogenicity. Review status: criteria provided, conflicting classifications (1 of 4 stars). 3 submissions from 3 submitters: Likely pathogenic (1); Uncertain significance (1). 1 of the submissions does not count toward it. Last evaluated 2025-11-20.

Conditions:
COL1A1-related disorder. Also called: COL1A1-related condition; COL1A1- related disease.

Submissions (3):

3billion
Classification: Likely pathogenic for COL1A1-related disorder. Last evaluated: 2025-11-20. Review status: criteria provided, single submitter. Criteria: ACMG Guidelines, 2015. Collection method: clinical testing. Allele origin: germline. Affected: yes.
Comment: The variant is observed in the gnomAD v4.1.0 dataset (total allele frequency: 0%). Predicted Consequence/Location: Missense variant In silico tool predictions suggest damaging effect of the variant on gene or gene product [REVEL: 0.96 (>=0.6, sensitivity 0.68 and specificity 0.92); 3Cnet: 0.99 (> 0.75, sensitivity 0.96 and precision 0.92)]. The different nucleotide change and same nucleotide change resulting in the same amino acid change has been previously reported to be associated with COL1A1-related disorder(PMID: 25146735, 3billion dataset).A different missense change at the same codon (p.Trp1275Cys) has been reported to be associated with COL1A1-related disorder (ClinVar ID: VCV002907526 /PMID: 31055083). Therefore, this variant is classified as Likely pathogenic according to the recommendation of ACMG/AMP guideline.

Athena Diagnostics
Classification: Uncertain significance. Last evaluated: 2024-09-05. Review status: criteria provided, single submitter. Criteria: Athena Diagnostics Criteria. Collection method: clinical testing. Allele origin: unknown.
Comment: Available data are insufficient to determine the clinical significance of the variant at this time. This variant has not been reported in large, multi-ethnic general populations. Polyphen and MutationTaster predict this amino acid change may be damaging to the protein.

PreventionGenetics, part of Exact Sciences
Classification: Likely pathogenic for COL1A1-related condition. Last evaluated: 2023-12-07. Review status: no assertion criteria provided. Collection method: clinical testing. Allele origin: germline. Not counted in ClinVar's aggregate classification.
Comment: The COL1A1 c.3823T>C variant is predicted to result in the amino acid substitution p.Trp1275Arg. The Trp1275Arg variant was reported in one individual with osteogenesis imperfecta (OI) (Table S1, Symoens. 2014. PubMed ID: 25146735). In addition, a different variant affecting the same amino acid (p.Trp1275Cys) was reported in a patient with OI (Barnes. 2019. PubMed ID: 31055083). Functional studies demonstrate the Trp1275Arg variant affecting the collagen protein function (Li et a. 2021. PubMed ID:33674390). This variant has not been reported in a large population database, indicating this variant is rare. This variant is classified as likely pathogenic.

Literature cited by the submitters: PubMed 31055083 (cited by 3billion); PubMed 25146735 (cited by 3billion).